The following is an entry in ClinVar:

NM_000535.7(PMS2):c.338C>A (p.Ser113Ter)

Gene: PMS2 (PMS1 homolog 2, mismatch repair system component; minus strand). Cytogenetic location: 7p22.1.
Variant type: single nucleotide variant.
Coding change: c.338C>A on transcript NM_000535.7 (MANE Select); coding-DNA position 338, C replaced by A.
Protein change: p.Ser113Ter; replaces serine 113 with a stop codon.
Molecular consequence: nonsense. On other transcripts: 5 prime UTR variant (25), non-coding transcript variant (1), intron variant (21).
Genome position (GRCh38, 1-based): chr7:6,003,705, G>T on the plus strand (C>A on the coding strand, the complement: PMS2 is on the minus strand). VCF-style: chr7-6003705-G-T. GRCh37 (hg19) VCF-style: chr7-6043336-G-T.
Other names: c.-68C>A (NM_001018040.1, NM_001322003.2, NM_001322004.2 and 14 more transcripts); c.338C>A, p.Ser113Ter (NM_001322006.2, NM_001322014.2, NM_001406869.1 and 8 more transcripts); c.-547C>A (NM_001322011.2, NM_001322012.2); c.-147C>A (NM_001322015.2, NM_001406875.1, NM_001406877.1 and 3 more transcripts); c.524C>A, p.Ser175Ter (NM_001406866.1); c.362C>A, p.Ser121Ter (NM_001406868.1); c.-58C>A (NM_001406890.1); c.35+267C>A (NM_001322008.2, NM_001406902.1, NM_001406883.1 and 4 more transcripts); and 5 more; short protein forms S113*, S121*, S175*.
Identifiers: ClinVar variation 3076013 (VCV003076013.1), dbSNP rs1785365441, ClinGen allele CA366744552.

ClinVar aggregate classification (germline): Pathogenic (1 of 4 stars; one submission).

Conditions:
Lynch syndrome. Identifiers: Orphanet 144, MedGen C4552100, MONDO:0005835. Disease mechanism: loss of function.

Submission:

Laboratory for Molecular Medicine, Mass General Brigham Personalized Medicine
Classification: Pathogenic for Lynch syndrome. Last evaluated: 2015-07-30. Review status: criteria provided, single submitter. Criteria: ACMG Guidelines, 2015. Collection method: clinical testing. Allele origin: germline.
Comment: The p.Ser113X variant in PMS2 has not been previously reported in individuals with Lynch syndrome and was absent from large population studies. This nonsense variant leads to a premature termination codon at position 113, which is predicted to lead to a truncated or absent protein. Heterozygous loss of function of the PMS2 gene is an established disease mechanism in Lynch syndrome. In summary, this variant meets our criteria to be classified as pathogenic for Lynch syndrome based upon predicted impact to the protein and absence in controls.

Literature cited by the submitters: PubMed 16472587.